The following is an entry in ClinVar:

NM_000186.4(CFH):c.3489C>G (p.Cys1163Trp)

Gene: CFH (complement factor H; plus strand). Cytogenetic location: 1q31.3.
Variant type: single nucleotide variant.
Coding change: c.3489C>G on transcript NM_000186.4 (MANE Select); coding-DNA position 3489, C replaced by G.
Protein change: p.Cys1163Trp; replaces cysteine 1163 with tryptophan.
Molecular consequence: missense variant.
Genome position (GRCh38, 1-based): chr1:196,745,995, C>G. VCF-style: chr1-196745995-C-G. GRCh37 (hg19) VCF-style: chr1-196715125-C-G.
Other names: short protein forms C1163W.
Identifiers: ClinVar variation 4291585 (VCV004291585.1).

ClinVar aggregate classification (germline): Likely pathogenic (1 of 4 stars; one submission).

Conditions:
Atypical hemolytic-uremic syndrome. Identifiers: Orphanet 2134, MedGen C2931788, MONDO:0016244.

Submission:

Genomenon, Inc
Classification: Likely pathogenic for Atypical hemolytic-uremic syndrome. Last evaluated: 2025-10-02. Review status: criteria provided, single submitter. Criteria: Genomenon Sequence Variant Interpretation Standards - Updated. Collection method: curation. Allele origin: germline. Affected: yes.
Comment: CFH p.Cys1163Trp (c.3489C>G) is a missense variant that changes the amino acid at residue 1163 from Cysteine to Tryptophan. This variant has been observed in at least one proband affected with atypical hemolytic-uremic syndrome (PMID:14583443;29046944). Functional studies have been reported (PMID:34189567). It is absent or not present at a significant frequency in gnomAD. In silico models agree that this variant is possibly or probably damaging. In conclusion, we classify CFH p.Cys1163Trp (c.3489C>G) as a likely pathogenic variant.

Literature cited by the submitters: PubMed 14583443; PubMed 29046944; PubMed 34189567.